The following is an entry in ClinVar:

ClinVar aggregate classification (germline): Uncertain significance. Review status: criteria provided, multiple submitters, no conflicts (2 of 4 stars). 3 submissions from 3 submitters: Uncertain significance (3). Last evaluated 2021-08-26.

Conditions:
Long QT syndrome (LQTS). Identifiers: MedGen C0023976, MeSH D008133, MONDO:0002442. Disease mechanism: loss of function. Inheritance: Various modes of inheritance.
Cardiovascular phenotype. Identifiers: MedGen CN230736.

Allele frequency attached by ClinVar (database versions not stated): gnomAD exomes below 0.00001.
gnomAD v4.1: 1 of 1,613,996 alleles (0.000062%); highest among the groups gnomAD compares: Non-Finnish European, 0.000085%; no homozygotes.

Submissions (3):

Labcorp Genetics (formerly Invitae), Labcorp
Classification: Uncertain significance for Long QT syndrome. Last evaluated: 2021-08-26. Review status: criteria provided, single submitter. Criteria: Invitae Variant Classification Sherloc (09022015). Collection method: clinical testing. Allele origin: germline.
Comment: This sequence change replaces phenylalanine with tyrosine at codon 348 of the KCNH2 protein (p.Phe348Tyr). The phenylalanine residue is weakly conserved and there is a small physicochemical difference between phenylalanine and tyrosine. This variant is not present in population databases (ExAC no frequency). This variant has not been reported in the literature in individuals affected with KCNH2-related conditions. ClinVar contains an entry for this variant (Variation ID: 200319). Algorithms developed to predict the effect of missense changes on protein structure and function (SIFT, PolyPhen-2, Align-GVGD) all suggest that this variant is likely to be tolerated. In summary, the available evidence is currently insufficient to determine the role of this variant in disease. Therefore, it has been classified as a Variant of Uncertain Significance.

GeneDx
Classification: Uncertain significance. Last evaluated: 2020-09-04. Review status: criteria provided, single submitter. Criteria: GeneDx Variant Classification Process June 2021. Collection method: clinical testing. Allele origin: germline. Affected: yes.
Comment: Has not been previously published as pathogenic or benign to our knowledge; Not observed in large population cohorts (Lek et al., 2016); In silico analysis, which includes protein predictors and evolutionary conservation, supports that this variant does not alter protein structure/function

Ambry Genetics
Classification: Uncertain significance for Cardiovascular phenotype. Last evaluated: 2020-03-18. Review status: criteria provided, single submitter. Criteria: Ambry Variant Classification Scheme 2023. Collection method: clinical testing. Allele origin: germline.
Comment: The p.F348Y variant (also known as c.1043T>A), located in coding exon 5 of the KCNH2 gene, results from a T to A substitution at nucleotide position 1043. The phenylalanine at codon 348 is replaced by tyrosine, an amino acid with highly similar properties, and is located in the N-terminal region of the protein. This amino acid position is not well conserved in available vertebrate species. In addition, the in silico prediction for this alteration is inconclusive. Since supporting evidence is limited at this time, the clinical significance of this alteration remains unclear.

NM_000238.4(KCNH2):c.1043T>A (p.Phe348Tyr)

Gene: KCNH2 (potassium voltage-gated channel subfamily H member 2; minus strand). Cytogenetic location: 7q36.1.
Variant type: single nucleotide variant.
Coding change: c.1043T>A on transcript NM_000238.4 (MANE Select); coding-DNA position 1043, T replaced by A.
Protein change: p.Phe348Tyr; replaces phenylalanine 348 with tyrosine.
Molecular consequence: missense variant.
Genome position (GRCh38, 1-based): chr7:150,957,376, A>T on the plus strand (T>A on the coding strand, the complement: KCNH2 is on the minus strand). VCF-style: chr7-150957376-A-T. GRCh37 (hg19) VCF-style: chr7-150654464-A-T.
Other names: p.F348Y:TTC>TAC; c.755T>A, p.Phe252Tyr (NM_001406753.1, NM_001406756.1); c.866T>A, p.Phe289Tyr (NM_001406755.1); c.743T>A, p.Phe248Tyr (NM_001406757.1); c.1043T>A, p.Phe348Tyr (NM_172056.3); short protein forms F348Y, F289Y, F252Y, F248Y.
Identifiers: ClinVar variation 200319 (VCV000200319.12), dbSNP rs794728363, ClinGen allele CA004191.